The following is an entry in ClinVar:

NM_015272.5(RPGRIP1L):c.2974C>G (p.Pro992Ala)

Gene: RPGRIP1L (RPGRIP1 like; minus strand). Cytogenetic location: 16q12.2.
Variant type: single nucleotide variant.
Coding change: c.2974C>G on transcript NM_015272.5 (MANE Select); coding-DNA position 2974, C replaced by G.
Protein change: p.Pro992Ala; replaces proline 992 with alanine.
Molecular consequence: missense variant. On other transcripts: intron variant (2).
Genome position (GRCh38, 1-based): chr16:53,638,396, G>C on the plus strand (C>G on the coding strand, the complement: RPGRIP1L is on the minus strand). VCF-style: chr16-53638396-G-C. GRCh37 (hg19) VCF-style: chr16-53672308-G-C.
Other names: c.2974C>G, p.Pro992Ala (NM_001308334.3); c.2959-542C>G (NM_001127897.4, NM_001330538.2); short protein forms P992A.
Identifiers: ClinVar variation 1923888 (VCV001923888.5), dbSNP rs1225129455, ClinGen allele CA395926678.
Genomic context (GRCh38, chr16:53,638,396, plus strand): 5'-TATTAATTTCTATTTCTGGTATATGCTCTACCTCTGGTGAAATTTCCTTCCTATCTTCAG[G>C]AGGAGGAGAAGTCTCCTTATATTAATGTGAAAACACGCATGTATGTCATTTTTTATTTAT-3'
Protein context (NP_056087.2, residues 982-1002): PHQSDETSPP[Pro992Ala]EDRKEISPEV

ClinVar aggregate classification (germline): Uncertain significance (1 of 4 stars; one submission).

Conditions:
Joubert syndrome. Also called: CEREBELLOPARENCHYMAL DISORDER IV; JOUBERT-BOLTSHAUSER SYNDROME; Familial aplasia of the vermis. Identifiers: Orphanet 475, MedGen C5979921, MONDO:0018772.
Meckel-Gruber syndrome. Also called: DYSENCEPHALIA SPLANCHNOCYSTICA; GRUBER SYNDROME; Dysencephalia splachnocystica. Identifiers: Orphanet 564, MedGen C0265215, MONDO:0018921.

Submission:

Labcorp Genetics (formerly Invitae), Labcorp
Classification: Uncertain significance for Joubert syndrome; Meckel-Gruber syndrome. Last evaluated: 2022-11-03. Review status: criteria provided, single submitter. Criteria: Invitae Variant Classification Sherloc (09022015). Collection method: clinical testing. Allele origin: germline.
Comment: In summary, the available evidence is currently insufficient to determine the role of this variant in disease. Therefore, it has been classified as a Variant of Uncertain Significance. Algorithms developed to predict the effect of missense changes on protein structure and function output the following: SIFT: "Tolerated"; PolyPhen-2: "Benign"; Align-GVGD: "Class C0". The alanine amino acid residue is found in multiple mammalian species, which suggests that this missense change does not adversely affect protein function. This variant has not been reported in the literature in individuals affected with RPGRIP1L-related conditions. This variant is not present in population databases (gnomAD no frequency). This sequence change replaces proline, which is neutral and non-polar, with alanine, which is neutral and non-polar, at codon 992 of the RPGRIP1L protein (p.Pro992Ala).